The following is an entry in ClinVar:

ClinVar aggregate classification (germline): Uncertain significance. Review status: criteria provided, multiple submitters, no conflicts (2 of 4 stars). 2 submissions from 2 submitters: Uncertain significance (2). Last evaluated 2024-07-01.

Allele frequency attached by ClinVar (database versions not stated): gnomAD exomes below 0.00001.
gnomAD v4.1: 2 of 1,602,420 alleles (0.00012%); highest among the groups gnomAD compares: Admixed American, 0.0017%; no homozygotes.

Submissions (2):

Labcorp Genetics (formerly Invitae), Labcorp
Classification: Uncertain significance. Last evaluated: 2024-07-01. Review status: criteria provided, single submitter. Criteria: Invitae Variant Classification Sherloc (09022015). Collection method: clinical testing. Allele origin: germline.
Comment: This sequence change replaces arginine, which is basic and polar, with glutamine, which is neutral and polar, at codon 13 of the SCP2 protein (p.Arg13Gln). This variant is not present in population databases (gnomAD no frequency). This variant has not been reported in the literature in individuals affected with SCP2-related conditions. ClinVar contains an entry for this variant (Variation ID: 1496077). An algorithm developed to predict the effect of missense changes on protein structure and function (PolyPhen-2) suggests that this variant is likely to be tolerated. In summary, the available evidence is currently insufficient to determine the role of this variant in disease. Therefore, it has been classified as a Variant of Uncertain Significance.

Blueprint Genetics
Classification: Uncertain significance. Last evaluated: 2022-02-07. Review status: criteria provided, single submitter. Criteria: ACMG Guidelines, 2015. Collection method: clinical testing. Allele origin: germline.

NM_002979.5(SCP2):c.38G>A (p.Arg13Gln)

Gene: SCP2 (sterol carrier protein 2; plus strand). Cytogenetic location: 1p32.3.
Variant type: single nucleotide variant.
Coding change: c.38G>A on transcript NM_002979.5 (MANE Select); coding-DNA position 38, G replaced by A.
Protein change: p.Arg13Gln; replaces arginine 13 with glutamine.
Molecular consequence: missense variant. On other transcripts: 5 prime UTR variant (1).
Genome position (GRCh38, 1-based): chr1:52,927,434, G>A. VCF-style: chr1-52927434-G-A. GRCh37 (hg19) VCF-style: chr1-53393106-G-A.
Other names: c.38G>A, p.Arg13Gln (NM_001007098.3, NM_001193599.2, NM_001193600.2 and 1 more transcripts); c.-148G>A (NM_001193617.2); short protein forms R13Q.
Identifiers: ClinVar variation 1496077 (VCV001496077.6), dbSNP rs1283507004, ClinGen allele CA340384476.